The following is an entry in ClinVar:

NM_002474.3(MYH11):c.5159G>A (p.Ser1720Asn)

Genes: MYH11 (myosin heavy chain 11; minus strand), NDE1 (nudE neurodevelopment protein 1; plus strand). Cytogenetic location: 16p13.11.
Variant type: single nucleotide variant.
Coding change: c.5159G>A on transcript NM_002474.3 (MANE Select); coding-DNA position 5159, G replaced by A.
Protein change: p.Ser1720Asn; replaces serine 1720 with asparagine.
Molecular consequence: missense variant. On other transcripts: intron variant (2).
Genome position (GRCh38, 1-based): chr16:15,719,232, C>T on the plus strand (G>A on the coding strand, the complement: MYH11 is on the minus strand). VCF-style: chr16-15719232-C-T. GRCh37 (hg19) VCF-style: chr16-15813089-C-T.
Other names: c.5180G>A, p.Ser1727Asn (NM_001040113.2, NM_001040114.2); c.5159G>A, p.Ser1720Asn (NM_022844.3); c.948-4959C>T (NM_001143979.2, NM_017668.3); short protein forms S1720N, S1727N.
Identifiers: ClinVar variation 3297348 (VCV003297348.1).

ClinVar aggregate classification (germline): Uncertain significance (1 of 4 stars; one submission).

Conditions:
Familial thoracic aortic aneurysm and aortic dissection (TAAD). Also called: Thoracic aortic aneurysms and dissections. Identifiers: Orphanet 91387, MedGen C4707243, MONDO:0019625.

gnomAD v4.1: 9 of 1,613,638 alleles (0.00056%); highest among the groups gnomAD compares: African/African-American, 0.0013%; no homozygotes.

Submission:

Ambry Genetics
Classification: Uncertain significance for Familial thoracic aortic aneurysm and aortic dissection. Last evaluated: 2024-03-16. Review status: criteria provided, single submitter. Criteria: Ambry Variant Classification Scheme 2023. Collection method: clinical testing. Allele origin: germline.
Comment: The p.S1720N variant (also known as c.5159G>A), located in coding exon 35 of the MYH11 gene, results from a G to A substitution at nucleotide position 5159. The serine at codon 1720 is replaced by asparagine, an amino acid with highly similar properties. This amino acid position is conserved. In addition, this alteration is predicted to be tolerated by in silico analysis. Based on the available evidence, the clinical significance of this alteration remains unclear.